The following is an entry in ClinVar:

NM_007294.4(BRCA1):c.3341AAG[1] (p.Glu1115del)

Genes: BRCA1 (BRCA1 DNA repair associated; minus strand), LOC126862571 (BRD4-independent group 4 enhancer GRCh37_chr17:41243136-41244335; plus strand). Cytogenetic location: 17q21.31.
Variant type: Microsatellite.
Coding change: c.3341AAG[1] on transcript NM_007294.4 (MANE Select); one copy of the 3-base unit AAG starting at c.3341; the reference has two copies in a row; one copy, 3 bases deleted; also written c.3344_3346del.
Protein change: p.Glu1115del; deletes glutamic acid 1115.
Molecular consequence: inframe deletion. On other transcripts: inframe indel (1), intron variant (137).
Genome position (GRCh38, 1-based): chr17:43,092,185-43,092,187, CTT deleted on the plus strand (AAG on the coding strand, the reverse complement: BRCA1 is on the minus strand); deleting any 3 consecutive bases within chr17:43,092,185-43,092,191 gives the same sequence; the position shown is the placement nearest the transcript's 3' end. VCF-style (leftmost placement, unchanged base first): chr17-43092184-ACTT-A. GRCh37 (hg19) VCF-style: chr17-41244201-ACTT-A.
Other names: c.3344_3346delAAG (NM_007294.3); c.3344_3346del (NM_007294.4); c.3341AAG[1], p.Glu1115del (NM_001407859.1, NM_001407581.1, NM_001407582.1 and 30 more transcripts); c.3338AAG[1], p.Glu1114del (NM_001407860.1, NM_001407861.1, NM_001407587.1 and 22 more transcripts); c.3128AAG[1], p.Glu1044del (NM_001407571.1, NM_001407895.1, NM_001407896.1 and 9 more transcripts); c.3140AAG[1], p.Glu1048del (NM_001407862.1); c.3218AAG[1], p.Glu1074del (NM_001407863.1, NM_001407938.1, NM_001407939.1 and 19 more transcripts); c.3137AAG[1], p.Glu1047del (NM_001407874.1, NM_001407875.1); and 43 more; short protein forms E1115del, E1068del, E1004del, E1047del, E819del, E947del, E1026del, E1045del.
Identifiers: ClinVar variation 54852 (VCV000054852.71), dbSNP rs80358336, ClinGen allele CA002166.

ClinVar aggregate classification (germline): Benign. Review status: reviewed by expert panel (3 of 4 stars). 11 submissions from 11 submitters: Benign (1). 10 of the submissions do not count toward it. Last evaluated 2019-06-18.

Conditions:
Hereditary breast ovarian cancer syndrome. Also called: Breast and ovarian cancer; BRCA1- and BRCA2-Associated Hereditary Breast and Ovarian Cancer; Hereditary breast and ovarian cancer; Hereditary breast and ovarian cancer syndrome (HBOC); Hereditary breast and ovarian cancer syndrome; Hereditary breast and/or ovarian cancer syndrome. Identifiers: Orphanet 145, MedGen C0677776, MeSH D061325, MONDO:0003582. Disease mechanism: loss of function.
Familial pancreatic carcinoma. Identifiers: Orphanet 1333, MedGen C2931038, MONDO:0015278, OMIM 260350.
BRCA1-related cancer predisposition. Identifiers: MedGen CN377757, MONDO:0700268.
Hereditary cancer-predisposing syndrome. Also called: Hereditary Cancer Syndrome; Tumor predisposition; Neoplastic Syndromes, Hereditary; Hereditary neoplastic syndrome. Identifiers: Orphanet 140162, MedGen C0027672, MeSH D009386, MONDO:0015356.
Breast-ovarian cancer, familial, susceptibility to, 1 (BROVCA1). Also called: BRCA1 Hereditary Breast and Ovarian Cancer; OVARIAN CANCER, SUSCEPTIBILITY TO. Identifiers: Orphanet 145, MedGen C2676676, MONDO:0011450, OMIM 604370. Disease mechanism: loss of function.

Submissions (11):

Evidence-based Network for the Interpretation of Germline Mutant Alleles (ENIGMA)
Classification: Benign for Breast-ovarian cancer, familial, susceptibility to, 1. Last evaluated: 2019-06-18. Review status: reviewed by expert panel. Criteria: ENIGMA BRCA1/2 Classification Criteria (2017-06-29). Collection method: curation. Allele origin: germline.
Comment: IARC class based on posterior probability from multifactorial likelihood analysis, thresholds for class as per Plon et al. 2008 (PMID: 18951446). Class 1 based on posterior probability = 0.000998

Labcorp Genetics (formerly Invitae), Labcorp
Classification: Likely benign for Hereditary breast ovarian cancer syndrome. Last evaluated: 2025-09-22. Review status: criteria provided, single submitter. Criteria: Invitae Variant Classification Sherloc (09022015). Collection method: clinical testing. Allele origin: germline. Not counted in ClinVar's aggregate classification.

Ambry Genetics
Classification: Uncertain significance for Hereditary cancer-predisposing syndrome. Last evaluated: 2025-04-02. Review status: criteria provided, single submitter. Criteria: Ambry Variant Classification Scheme 2023. Collection method: clinical testing. Allele origin: germline. Not counted in ClinVar's aggregate classification.
Comment: The c.3344_3346delAAG variant (also known as p.E1115del) is located in coding exon 9 of the BRCA1 gene. This variant results from an in-frame AAG deletion at nucleotide positions 3344 to 3346. This results in the in-frame deletion of a glutamic acid at codon 1115. This variant has been reported in Italian and Turkish breast and/or ovarian cancer cohorts (Concolino P et al. Int J Mol Sci, 2019 Jul;20; Cecener G et al. Cancer Genet, 2020 Jan;240:23-32; Santonocito C et al. Cancers (Basel), 2020 May;12; Hovland HN et al. Fam Cancer, 2022 Oct;21:389-398). This amino acid position is poorly conserved in available vertebrate species. In addition, the in silico prediction for this alteration is inconclusive (Choi Y et al. PLoS ONE. 2012; 7(10):e46688). Since supporting evidence is limited at this time, the clinical significance of this alteration remains unclear.

Quest Diagnostics Nichols Institute San Juan Capistrano
Classification: Uncertain significance. Last evaluated: 2025-03-28. Review status: criteria provided, single submitter. Criteria: Quest Diagnostics criteria. Collection method: clinical testing. Allele origin: unknown. Not counted in ClinVar's aggregate classification.
Comment: The BRCA1 c.3344_3346del (p.Glu1115del) variant has been reported in the published literature in individuals affected with breast and/or ovarian cancer (PMID: 31336956 (2019), 31706072 (2020), 32438681 (2020)). This variant was also reported as being benign in a multifactorial likelihood study (PMID: 31131967 (2019)). The frequency of this variant in the general population (Genome Aggregation Database) is uninformative in the assessment of its pathogenicity. Based on the available information, we are unable to determine the clinical significance of this variant.

GeneDx
Classification: Uncertain significance. Last evaluated: 2024-12-30. Review status: criteria provided, single submitter. Criteria: GeneDx Variant Classification Process June 2021. Collection method: clinical testing. Allele origin: germline. Affected: yes. Not counted in ClinVar's aggregate classification.
Comment: In-frame deletion of 1 amino acid in a non-repeat region; In silico analysis supports a deleterious effect on protein structure/function; Not observed at significant frequency in large population cohorts (gnomAD); Also known as 3463_3465delAAG; This variant is associated with the following publications: (PMID: 31706072, 31131967, 32438681, 34570441, 31336956, 34981296, 36243179, 31853058)

All of Us Research Program, National Institutes of Health
Classification: Uncertain significance for BRCA1-related cancer predisposition. Last evaluated: 2024-05-14. Review status: criteria provided, single submitter. Criteria: ACMG Guidelines, 2015. Collection method: clinical testing. Allele origin: germline. Inheritance: Autosomal dominant inheritance. Observed: 1 variant allele, 1 heterozygote. Not counted in ClinVar's aggregate classification.
Comment: This variant causes an in-frame deletion of one amino acid, glutamic acid 1115, in the BRCA1 protein. To our knowledge, functional studies have not been reported for this variant. This variant has been detected in an individual affected with ovarian cancer and at least three individuals affected with breast cancer (PMID: 31336956, 31706072, 32438681; Color internal data). This variant also has been reported in a multifactorial analysis with tumor pathology and family history likelihood ratios for pathogenicity of 0.0798 and 0.5941, respectively (PMID: 31131967). This variant has been identified in 4/281644 chromosomes in the general population by the Genome Aggregation Database (gnomAD). The available evidence is insufficient to determine the role of this variant in disease conclusively. Therefore, this variant is classified as a Variant of Uncertain Significance.

This study involves interpretation of variants in research participants for the purpose of population health screening. Participant phenotype was not available at the time of variant classification. Additional details can be found in publication PMID: 35346344, PMCID: PMC8962531

Color Diagnostics, LLC DBA Color Health
Classification: Uncertain significance for Hereditary cancer-predisposing syndrome. Last evaluated: 2024-04-18. Review status: criteria provided, single submitter. Criteria: ACMG Guidelines, 2015. Collection method: clinical testing. Allele origin: germline. Not counted in ClinVar's aggregate classification.
Comment: This variant causes an in-frame deletion of one amino acid, glutamic acid 1115, in the BRCA1 protein. To our knowledge, functional studies have not been reported for this variant. This variant has been detected in an individual affected with ovarian cancer and at least three individuals affected with breast cancer (PMID: 31336956, 31706072, 32438681; Color internal data). This variant also has been reported in a multifactorial analysis with tumor pathology and family history likelihood ratios for pathogenicity of 0.0798 and 0.5941, respectively (PMID: 31131967). This variant has been identified in 4/281644 chromosomes in the general population by the Genome Aggregation Database (gnomAD). The available evidence is insufficient to determine the role of this variant in disease conclusively. Therefore, this variant is classified as a Variant of Uncertain Significance.

Department of Pathology and Laboratory Medicine, Sinai Health System
Classification: Uncertain significance for Hereditary breast ovarian cancer syndrome; Familial pancreatic carcinoma. Last evaluated: 2021-03-24. Review status: criteria provided, single submitter. Criteria: ACMG Guidelines, 2015. Collection method: clinical testing. Allele origin: germline. Affected: yes. Not counted in ClinVar's aggregate classification.

Women's Health and Genetics/Laboratory Corporation of America, LabCorp
Classification: Uncertain significance. Last evaluated: 2017-02-16. Review status: criteria provided, single submitter. Criteria: LabCorp Variant Classification Summary - May 2015. Collection method: clinical testing. Allele origin: germline. Not counted in ClinVar's aggregate classification.
Comment: Variant summary: The c.3344_3346delAAG (p.Glu1115del) in BRCA1 gene leads to an in-frame deletion of Glu amino acid from a non-repeat region that is located outside of any known functional domain. The variant is present in the control population dataset of ExAC at frequency of 2.477e-05 (3/121130 chrs tested). The variant of interest has not, to our knowledge, been reported in affected individuals via publications, however UMD cites co-occurrence of the variant with a BRCA2 pathogenic mutation (c.5909C>A, p.Ser1970X). In addition, multiple reputable databases/clinical laboratories have classified the variant as VUS. Taking together, the variant was classified as VUS.

CeGaT Center for Human Genetics Tuebingen
Classification: Uncertain significance. Last evaluated: 2017-02-01. Review status: criteria provided, single submitter. Criteria: CeGaT Center For Human Genetics Tuebingen Variant Classification Criteria Version 2. Collection method: clinical testing. Allele origin: germline. Affected: yes. Observed: 1 variant allele. Not counted in ClinVar's aggregate classification.

Breast Cancer Information Core (BIC) (BRCA1)
Classification: Uncertain significance for Breast-ovarian cancer, familial 1. Last evaluated: 2004-11-25. Review status: no assertion criteria provided. Collection method: clinical testing. Allele origin: germline. Affected: yes. Observed: 1 variant allele. Not counted in ClinVar's aggregate classification.

Literature cited by the submitters: PubMed 31131967 (cited by 5 submitters); PubMed 31336956 (cited by 5 submitters); PubMed 31706072 (cited by 5 submitters); PubMed 32438681 (cited by 5 submitters); PubMed 34981296 (cited by Ambry Genetics).